The following is an entry in ClinVar:

ClinVar aggregate classification (germline): Pathogenic (1 of 4 stars; one submission).

Conditions:
COL1A1-related disorder. Also called: COL1A1- related disease; COL1A1-related condition.

Submission:

3billion
Classification: Pathogenic for COL1A1-related disorder. Last evaluated: 2024-12-31. Review status: criteria provided, single submitter. Criteria: ACMG Guidelines, 2015. Collection method: clinical testing. Allele origin: germline. Affected: yes.
Comment: The variant is not observed in the gnomAD v4.1.0 dataset. Predicted Consequence/Location: Stop-gained (nonsense): predicted to result in a loss or disruption of normal protein function through nonsense-mediated decay (NMD) or protein truncation. Multiple pathogenic variants are reported downstream of the variant. The variant has been previously reported as de novo in a similarly affected individual (PMID: 34902613). The variant has been reported to be associated with COL1A1-related disorder (PMID: 34902613). Therefore, this variant is classified as Pathogenic according to the recommendation of ACMG/AMP guideline.

Literature cited by the submitters: PubMed 34902613.

NM_000088.4(COL1A1):c.2854C>T (p.Gln952Ter)

Gene: COL1A1 (collagen type I alpha 1 chain; minus strand). Cytogenetic location: 17q21.33.
Variant type: single nucleotide variant.
Coding change: c.2854C>T on transcript NM_000088.4 (MANE Select); coding-DNA position 2854, C replaced by T.
Protein change: p.Gln952Ter; replaces glutamine 952 with a stop codon.
Molecular consequence: nonsense.
Genome position (GRCh38, 1-based): chr17:50,189,251, G>A on the plus strand (C>T on the coding strand, the complement: COL1A1 is on the minus strand). VCF-style: chr17-50189251-G-A. GRCh37 (hg19) VCF-style: chr17-48266612-G-A.
Other names: short protein forms Q952*.
Identifiers: ClinVar variation 4294074 (VCV004294074.1).
Genomic context (GRCh38, chr17:50,189,251, plus strand): 5'-AGCCTCTCTCTCCTCTCTGACCAGGCAGGCCGACCACACCACGCTGTCCAGCAATACCTT[G>A]AGGCCCGGGAGTACCAGGAGCACCCTTTGGGAGGCAAACAGGGGTGAGGTGCCAGAGAGC-3'